The following is an entry in ClinVar:

NM_022336.4(EDAR):c.1000G>A (p.Ala334Thr)

Genes: EDAR (ectodysplasin A receptor; minus strand), RANBP2 (RAN binding protein 2; plus strand). Cytogenetic location: 2q13.
Variant type: single nucleotide variant.
Coding change: c.1000G>A on transcript NM_022336.4 (MANE Select); coding-DNA position 1000, G replaced by A.
Protein change: p.Ala334Thr; replaces alanine 334 with threonine.
Molecular consequence: missense variant.
Genome position (GRCh38, 1-based): chr2:108,906,332, C>T on the plus strand (G>A on the coding strand, the complement: EDAR is on the minus strand). VCF-style: chr2-108906332-C-T. GRCh37 (hg19) VCF-style: chr2-109522788-C-T.
Other names: short protein forms A334T.
Identifiers: ClinVar variation 1505874 (VCV001505874.6), dbSNP rs752662417, ClinGen allele CA1824856.
Genomic context (GRCh38, chr2:108,906,332, plus strand): 5'-GGGCACCACCTCTCCCAGGCTTTTTTTTCAGCTTACCTTCCACGACTCCACACACGTTGG[C>T]ATACACATCGAGGATCTTTTTCCTCCGGCTTTGAATCTGTGAAAAAGAGTCGAGAATTTT-3'
Protein context (NP_071731.1, residues 324-344): SRRKKILDVY[Ala334Thr]NVCGVVEGLS

ClinVar aggregate classification (germline): Uncertain significance (1 of 4 stars; one submission).

Conditions:
Autosomal recessive hypohidrotic ectodermal dysplasia syndrome. Also called: Autosomal recessive hypohidrotic ectodermal dysplasia. Identifiers: Orphanet 248, MedGen C0406702, MONDO:0016619.
Ectodermal dysplasia 10A, hypohidrotic/hair/nail type, autosomal dominant (ECTD10A). Also called: Ectodermal Dysplasia 3, Anhidrotic. Identifiers: Orphanet 1810, Orphanet 238468, MedGen C3888065, MONDO:0007509, OMIM 129490.

Allele frequency attached by ClinVar (database versions not stated): ExAC 0.00002; gnomAD exomes 0.00006 and 0.00008; TOPMed 0.00032; gnomAD 0.00034 and 0.00036.
gnomAD v4.1: 137 of 1,614,058 alleles (0.0085%); highest among the groups gnomAD compares: Admixed American, 0.11%; no homozygotes.

Submission:

Labcorp Genetics (formerly Invitae), Labcorp
Classification: Uncertain significance for Ectodermal dysplasia 10A, hypohidrotic/hair/nail type, autosomal dominant; Autosomal recessive hypohidrotic ectodermal dysplasia syndrome. Last evaluated: 2021-11-23. Review status: criteria provided, single submitter. Criteria: Invitae Variant Classification Sherloc (09022015). Collection method: clinical testing. Allele origin: germline.
Comment: In summary, the available evidence is currently insufficient to determine the role of this variant in disease. Therefore, it has been classified as a Variant of Uncertain Significance. Advanced modeling of protein sequence and biophysical properties (such as structural, functional, and spatial information, amino acid conservation, physicochemical variation, residue mobility, and thermodynamic stability) performed at Invitae indicates that this missense variant is not expected to disrupt EDAR protein function. This variant has not been reported in the literature in individuals affected with EDAR-related conditions. This variant is present in population databases (rs752662417, gnomAD 0.05%). This sequence change replaces alanine, which is neutral and non-polar, with threonine, which is neutral and polar, at codon 334 of the EDAR protein (p.Ala334Thr).